The following is an entry in ClinVar:

NM_138420.4(AHNAK2):c.6180C>T (p.His2060=)

Gene: AHNAK2 (AHNAK nucleoprotein 2; minus strand). Cytogenetic location: 14q32.33.
Variant type: single nucleotide variant.
Coding change: c.6180C>T on transcript NM_138420.4 (MANE Select); coding-DNA position 6180, C replaced by T.
Protein change: p.His2060=; no amino-acid change (histidine 2060 retained).
Molecular consequence: synonymous variant.
Genome position (GRCh38, 1-based): chr14:104,949,271, G>A on the plus strand (C>T on the coding strand, the complement: AHNAK2 is on the minus strand). VCF-style: chr14-104949271-G-A. GRCh37 (hg19) VCF-style: chr14-105415608-G-A.
Other names: c.5880C>T, p.His1960= (NM_001350929.2).
Identifiers: ClinVar variation 2644748 (VCV002644748.24), dbSNP rs11850848, ClinGen allele CA7381294.

ClinVar aggregate classification (germline): Likely benign (1 of 4 stars; one submission).

Allele frequency attached by ClinVar (database versions not stated): 1000 Genomes Project 30x 0.00172; 1000 Genomes Project 0.00379.

Submission:

CeGaT Center for Human Genetics Tuebingen
Classification: Likely benign. Last evaluated: 2023-10-01. Review status: criteria provided, single submitter. Criteria: CeGaT Center For Human Genetics Tuebingen Variant Classification Criteria Version 2. Collection method: clinical testing. Allele origin: germline. Affected: yes. Observed: 1 variant allele.
Comment: AHNAK2: BP4, BP7, BS2